The following is an entry in ClinVar:

ClinVar aggregate classification (germline): Uncertain significance (1 of 4 stars; one submission).

Conditions:
Hypertrophic cardiomyopathy. Also called: HYPERTROPHIC MYOCARDIOPATHY. Identifiers: Orphanet 217569, MedGen C0007194, MeSH D002312, MONDO:0005045, HP:0001639.

Submission:

All of Us Research Program, National Institutes of Health
Classification: Uncertain significance for Hypertrophic cardiomyopathy. Last evaluated: 2024-09-27. Review status: criteria provided, single submitter. Criteria: ACMG Guidelines, 2015. Collection method: clinical testing. Allele origin: germline. Inheritance: Autosomal dominant inheritance. Observed: 1 variant allele, 1 heterozygote.
Comment: This study involves interpretation of variants in research participants for the purpose of population health screening. Participant phenotype was not available at the time of variant classification. Additional details can be found in publication PMID: 35346344, PMCID: PMC8962531

NM_016203.4(PRKAG2):c.1183G>A (p.Ala395Thr)

Gene: PRKAG2 (protein kinase AMP-activated non-catalytic subunit gamma 2; minus strand). Cytogenetic location: 7q36.1.
Variant type: single nucleotide variant.
Coding change: c.1183G>A on transcript NM_016203.4 (MANE Select); coding-DNA position 1183, G replaced by A.
Protein change: p.Ala395Thr; replaces alanine 395 with threonine.
Molecular consequence: missense variant.
Genome position (GRCh38, 1-based): chr7:151,568,766, C>T on the plus strand (G>A on the coding strand, the complement: PRKAG2 is on the minus strand). VCF-style: chr7-151568766-C-T. GRCh37 (hg19) VCF-style: chr7-151265852-C-T.
Other names: c.1183G>A, p.Ala395Thr (NM_001407021.1); c.1180G>A, p.Ala394Thr (NM_001407022.1, NM_001407023.1); c.1051G>A, p.Ala351Thr (NM_001407024.1, NM_001040633.2); c.1048G>A, p.Ala350Thr (NM_001407026.1, NM_001407027.1); c.811G>A, p.Ala271Thr (NM_001407028.1, NM_001363698.2); c.808G>A, p.Ala270Thr (NM_001407029.1, NM_001304527.2); c.895G>A, p.Ala299Thr (NM_001407030.1); c.460G>A, p.Ala154Thr (NM_001304531.2, NM_024429.2, NM_001407034.1 and 1 more transcripts); and 6 more; short protein forms A153T, A154T, A170T, A174T, A270T, A271T, A287T, A289T.
Identifiers: ClinVar variation 3387527 (VCV003387527.1).